The following is an entry in ClinVar:

ClinVar aggregate classification (germline): Conflicting classifications of pathogenicity. Review status: criteria provided, conflicting classifications (1 of 4 stars). 6 submissions from 6 submitters: Uncertain significance (5); Likely benign (1). Last evaluated 2026-01-27.

Conditions:
Hereditary cancer-predisposing syndrome. Also called: Hereditary neoplastic syndrome; Hereditary Cancer Syndrome; Neoplastic Syndromes, Hereditary; Tumor predisposition. Identifiers: Orphanet 140162, MedGen C0027672, MeSH D009386, MONDO:0015356.
Multiple endocrine neoplasia, type 1 (MEN1). Also called: Endocrine adenomatosis multiple; MEN 1; MEA I; MEN I; WERMER SYNDROME. Identifiers: Orphanet 652, MedGen C0025267, MeSH D018761, MONDO:0007540, OMIM 131100.

Allele frequency attached by ClinVar (database versions not stated): gnomAD exomes below 0.00001; gnomAD 0.00001; TOPMed 0.00001.
gnomAD v4.1: 6 of 1,611,940 alleles (0.00037%); highest among the groups gnomAD compares: African/African-American, 0.004%; no homozygotes.

Submissions (6):

Labcorp Genetics (formerly Invitae), Labcorp
Classification: Likely benign for Multiple endocrine neoplasia, type 1. Last evaluated: 2026-01-27. Review status: criteria provided, single submitter. Criteria: Invitae Variant Classification Sherloc (09022015). Collection method: clinical testing. Allele origin: germline.

Ambry Genetics
Classification: Uncertain significance for Hereditary cancer-predisposing syndrome. Last evaluated: 2024-08-14. Review status: criteria provided, single submitter. Criteria: Ambry Variant Classification Scheme 2023. Collection method: clinical testing. Allele origin: germline.
Comment: The p.R527Q variant (also known as c.1580G>A), located in coding exon 9 of the MEN1 gene, results from a G to A substitution at nucleotide position 1580. The arginine at codon 527 is replaced by glutamine, an amino acid with highly similar properties. This amino acid position is conserved. In addition, this alteration is predicted to be tolerated by in silico analysis. Since supporting evidence is limited at this time, the clinical significance of this alteration remains unclear.

Color Diagnostics, LLC DBA Color Health
Classification: Uncertain significance for Multiple endocrine neoplasia, type 1. Last evaluated: 2024-04-23. Review status: criteria provided, single submitter. Criteria: ACMG Guidelines, 2015. Collection method: clinical testing. Allele origin: germline.
Comment: This missense variant replaces arginine with glutamine at codon 527 of the MEN1 protein. Computational prediction suggests that this variant may not impact protein structure and function. To our knowledge, functional studies have not been reported for this variant. This variant has not been reported in individuals affected with MEN1-related disorders in the literature. This variant has been identified in 1/248598 chromosomes in the general population by the Genome Aggregation Database (gnomAD). The available evidence is insufficient to determine the role of this variant in disease conclusively. Therefore, this variant is classified as a Variant of Uncertain Significance.

GeneDx
Classification: Uncertain significance. Last evaluated: 2023-11-09. Review status: criteria provided, single submitter. Criteria: GeneDx Variant Classification Process June 2021. Collection method: clinical testing. Allele origin: germline. Affected: yes.
Comment: Not observed at significant frequency in large population cohorts (gnomAD); In silico analysis supports that this missense variant does not alter protein structure/function; Has not been previously published as pathogenic or benign to our knowledge

Baylor Genetics
Classification: Uncertain significance for Multiple Endocrine Neoplasia Type 1. Last evaluated: 2023-10-29. Review status: criteria provided, single submitter. Criteria: ACMG Guidelines, 2015. Collection method: clinical testing. Allele origin: unknown.

All of Us Research Program, National Institutes of Health
Classification: Uncertain significance for Multiple endocrine neoplasia, type 1. Last evaluated: 2023-04-27. Review status: criteria provided, single submitter. Criteria: ACMG Guidelines, 2015. Collection method: clinical testing. Allele origin: germline. Inheritance: Autosomal dominant inheritance. Observed: 1 variant allele, 1 heterozygote.
Comment: This study involves interpretation of variants in research participants for the purpose of population health screening. Participant phenotype was not available at the time of variant classification. Additional details can be found in publication PMID: 35346344, PMCID: PMC8962531

NM_001370259.2(MEN1):c.1580G>A (p.Arg527Gln)

Gene: MEN1 (menin 1; minus strand). Cytogenetic location: 11q13.1.
Variant type: single nucleotide variant.
Coding change: c.1580G>A on transcript NM_001370259.2 (MANE Select); coding-DNA position 1580, G replaced by A.
Protein change: p.Arg527Gln; replaces arginine 527 with glutamine.
Molecular consequence: missense variant.
Genome position (GRCh38, 1-based): chr11:64,804,587, C>T on the plus strand (G>A on the coding strand, the complement: MEN1 is on the minus strand). VCF-style: chr11-64804587-C-T. GRCh37 (hg19) VCF-style: chr11-64572059-C-T.
Other names: c.1595G>A, p.Arg532Gln (NM_000244.4, NM_130800.3, NM_130801.3 and 3 more transcripts); c.1706G>A, p.Arg569Gln (NM_001370251.2); c.1580G>A, p.Arg527Gln (NM_001370260.2, NM_001370261.2, NM_130799.3); c.1475G>A, p.Arg492Gln (NM_001370262.2, NM_001370263.2); short protein forms R527Q, R532Q, R492Q, R569Q.
Identifiers: ClinVar variation 426212 (VCV000426212.19), dbSNP rs1085307502, ClinGen allele CA381178349.
Genomic context (GRCh38, chr11:64,804,587, plus strand): 5'-TCCGGCGGTGGTGATGCTGTGGGTGCTGGCACCTGAGCCGTGCTGCCACCTTCAGGGCCT[C>T]GGGCTGTGCCAGCGACAGTCCCAGGAGGCTTCCGGGGGGGTCCTGACACTGCACCCTGGC-3'
Protein context (NP_001357188.2, residues 517-537): KPPGTVAGTA[Arg527Gln]GPEGGSTAQV